The following is an entry in ClinVar:

GRCh37/hg19 15q11.2-14(chr15:22770422-36556562)x3

Genes: ACTC1 (actin alpha cardiac muscle 1; minus strand), APBA2 (amyloid beta precursor protein binding family A member 2; plus strand), AQR (aquarius intron-binding spliceosomal factor; minus strand), ARHGAP11A (Rho GTPase activating protein 11A; plus strand), ARHGAP11B (Rho GTPase activating protein 11B) and 62 more. Cytogenetic location: 15q11.2-14.
Variant type: copy number gain.
Change: copy number 3 (three copies instead of two) of chr15:22,770,422-36,556,562 (13.79 Mb, GRCh37 coordinates, 1-based), cytogenetic band 15q11.2-14.
Identifiers: ClinVar variation 2684748 (VCV002684748.1).

ClinVar aggregate classification (germline): Pathogenic (1 of 4 stars; one submission).

Submission:

Quest Diagnostics Nichols Institute San Juan Capistrano
Classification: Pathogenic. Last evaluated: 2023-04-29. Review status: criteria provided, single submitter. Criteria: ACMG/ClinGen CNV Guidelines, 2019. Collection method: clinical testing. Allele origin: unknown.
Comment: This gain of 15q11.2q14 involves the Prader-Willi/Angelman syndrome critical regions (GeneReviews available from an online resource). Thus, this copy number variant is classified as pathogenic.